The following is an entry in ClinVar:

NM_032119.4(ADGRV1):c.14060G>T (p.Ser4687Ile)

Gene: ADGRV1 (adhesion G protein-coupled receptor V1; plus strand). Cytogenetic location: 5q14.3.
Variant type: single nucleotide variant.
Coding change: c.14060G>T on transcript NM_032119.4 (MANE Select); coding-DNA position 14060, G replaced by T.
Protein change: p.Ser4687Ile; replaces serine 4687 with isoleucine.
Molecular consequence: missense variant. On other transcripts: non-coding transcript variant (1).
Genome position (GRCh38, 1-based): chr5:90,790,889, G>T. VCF-style: chr5-90790889-G-T. GRCh37 (hg19) VCF-style: chr5-90086706-G-T.
Other names: short protein forms S4687I.
Identifiers: ClinVar variation 839838 (VCV000839838.10), dbSNP rs377490177, ClinGen allele CA3341664.
Genomic context (GRCh38, chr5:90,790,889, plus strand): 5'-TACTGAATTATATAACTTTGTTGAGTTTTTTTCTTTTATTTTAGGTTTACTGGGAATTAA[G>T]TAGTGAGTTTGACATTACTGAAGACTTTCTTTCCACCAGTGGATTTTTCACCATTGCTGA-3'
Protein context (NP_115495.3, residues 4677-4697): FGEIMVYWEL[Ser4687Ile]SEFDITEDFL

ClinVar aggregate classification (germline): Uncertain significance. Review status: criteria provided, multiple submitters, no conflicts (2 of 4 stars). 3 submissions from 3 submitters: Uncertain significance (3). Last evaluated 2026-05-29.

Conditions:
ADGRV1-related disorder. Also called: ADGRV1-related condition; ADGRV1-related disorders.
Inborn genetic diseases. Identifiers: MedGen C0950123, MeSH D030342.

Allele frequency attached by ClinVar (database versions not stated): ExAC 0.00001; gnomAD 0.00002; TOPMed 0.00002; ESP Exome Variant Server 0.00008.
gnomAD v4.1: 68 of 1,607,132 alleles (0.0042%); highest among the groups gnomAD compares: Non-Finnish European, 0.0058%; no homozygotes.

Submissions (3):

PreventionGenetics, part of Exact Sciences
Classification: Uncertain significance for ADGRV1-related condition. Last evaluated: 2026-05-29. Review status: criteria provided, single submitter. Criteria: ACMG Guidelines, 2015. Collection method: clinical testing. Allele origin: germline.
Comment: The ADGRV1 c.14060G>T variant is predicted to result in the amino acid substitution p.Ser4687Ile. To our knowledge, this variant has not been reported in the literature. This variant is present in 0.0018% of alleles in individuals of European (Non-Finnish) descent in gnomAD. At this time, the clinical significance of this variant is uncertain due to the absence of conclusive functional and genetic evidence.

Labcorp Genetics (formerly Invitae), Labcorp
Classification: Uncertain significance. Last evaluated: 2025-10-29. Review status: criteria provided, single submitter. Criteria: Invitae Variant Classification Sherloc (09022015). Collection method: clinical testing. Allele origin: germline.
Comment: This sequence change replaces serine, which is neutral and polar, with isoleucine, which is neutral and non-polar, at codon 4687 of the ADGRV1 protein (p.Ser4687Ile). This variant is present in population databases (rs377490177, gnomAD 0.002%). This variant has not been reported in the literature in individuals affected with ADGRV1-related conditions. ClinVar contains an entry for this variant (Variation ID: 839838). Invitae Evidence Modeling of protein sequence and biophysical properties (such as structural, functional, and spatial information, amino acid conservation, physicochemical variation, residue mobility, and thermodynamic stability) indicates that this missense variant is not expected to disrupt ADGRV1 protein function with a negative predictive value of 95%. In summary, the available evidence is currently insufficient to determine the role of this variant in disease. Therefore, it has been classified as a Variant of Uncertain Significance.

Ambry Genetics
Classification: Uncertain significance for Inborn genetic diseases. Last evaluated: 2025-01-27. Review status: criteria provided, single submitter. Criteria: Ambry Variant Classification Scheme 2023. Collection method: clinical testing. Allele origin: germline.